The following is an entry in ClinVar:

ClinVar aggregate classification (germline): Conflicting classifications of pathogenicity. Review status: criteria provided, conflicting classifications (1 of 4 stars). 4 submissions from 1 submitter: Uncertain significance (1); Benign (2); Likely benign (1). Last evaluated 2018-01-12.

Conditions:
Multiple endocrine neoplasia. Identifiers: Orphanet 276161, MedGen C0027662, MONDO:0017169.
Pheochromocytoma. Also called: MAX-Related Hereditary Paraganglioma-Pheochromocytoma Syndrome. Identifiers: Orphanet 29072, MedGen C0031511, MONDO:0008233, OMIM 171300, HP:0002666.
Hirschsprung disease, susceptibility to, 1 (HSCR1). Also called: RET-Related Hirschsprung Disease. Identifiers: Orphanet 388, MedGen C3888239, MONDO:0007723, OMIM 142623.
Renal hypodysplasia/aplasia 1 (RHDA1). Also called: HEREDITARY RENAL APLASIA; RENAL APLASIA. Identifiers: Orphanet 411709, MedGen C1619700, MONDO:0024519, OMIM 191830.

Allele frequency attached by ClinVar (database versions not stated): gnomAD exomes 0.00002; TOPMed 0.00004; gnomAD 0.00007 and 0.00009; 1000 Genomes Project 30x 0.00094; 1000 Genomes Project 0.00140.
gnomAD v4.1: 19 of 245,020 alleles (0.0078%); highest among the groups gnomAD compares: African/African-American, 0.03%; no homozygotes.

Submissions (4):

Illumina Laboratory Services, Illumina
Classification: Uncertain significance for Renal hypodysplasia/aplasia 1. Last evaluated: 2018-01-12. Review status: criteria provided, single submitter. Criteria: ICSL Variant Classification Criteria 13 December 2019. Collection method: clinical testing. Allele origin: germline.

Illumina Laboratory Services, Illumina
Classification: Benign for Multiple endocrine neoplasia. Last evaluated: 2018-01-12. Review status: criteria provided, single submitter. Criteria: ICSL Variant Classification Criteria 13 December 2019. Collection method: clinical testing. Allele origin: germline.
Comment: This variant was observed in the ICSL laboratory as part of a predisposition screen in an ostensibly healthy population. It had not been previously curated by ICSL or reported in the Human Gene Mutation Database (HGMD: prior to June 1st, 2018), and was therefore a candidate for classification through an automated scoring system. Utilizing variant allele frequency, disease prevalence and penetrance estimates, and inheritance mode, an automated score was calculated to assess if this variant is too frequent to cause the disease. Based on the score and internal cut-off values, a variant classified as benign is not then subjected to further curation. The score for this variant resulted in a classification of benign for this disease.

Illumina Laboratory Services, Illumina
Classification: Likely benign for Hirschsprung disease, susceptibility to, 1. Last evaluated: 2018-01-12. Review status: criteria provided, single submitter. Criteria: ICSL Variant Classification Criteria 13 December 2019. Collection method: clinical testing. Allele origin: germline.
Comment: This variant was observed in the ICSL laboratory as part of a predisposition screen in an ostensibly healthy population. It had not been previously curated by ICSL or reported in the Human Gene Mutation Database (HGMD: prior to June 1st, 2018), and was therefore a candidate for classification through an automated scoring system. Utilizing variant allele frequency, disease prevalence and penetrance estimates, and inheritance mode, an automated score was calculated to assess if this variant is too frequent to cause the disease. Based on the score and internal cut-off values, a variant classified as likely benign is not then subjected to further curation. The score for this variant resulted in a classification of likely benign for this disease.

Illumina Laboratory Services, Illumina
Classification: Benign for Pheochromocytoma. Last evaluated: 2018-01-12. Review status: criteria provided, single submitter. Criteria: ICSL Variant Classification Criteria 13 December 2019. Collection method: clinical testing. Allele origin: germline.
Comment: the same text as in the submission from Illumina Laboratory Services, Illumina above.

NM_020975.6(RET):c.*1326T>C

Gene: RET (ret proto-oncogene; plus strand). Cytogenetic location: 10q11.21.
Variant type: single nucleotide variant.
Coding change: c.*1326T>C on transcript NM_020975.6 (MANE Select); 1326 bases downstream of the stop codon, T replaced by C.
Molecular consequence: 3 prime UTR variant.
Genome position (GRCh38, 1-based): chr10:43,129,595, T>C. VCF-style: chr10-43129595-T-C. GRCh37 (hg19) VCF-style: chr10-43625043-T-C.
Identifiers: ClinVar variation 877535 (VCV000877535.5), dbSNP rs141016377, ClinGen allele CA206268455.
Genomic context (GRCh38, chr10:43,129,595, plus strand): 5'-AGTCTTGTGGGGGCAGCTTTTGGGAAGTCTCAGCAGCTCTTCTGGCTGTGTTGTCAGCAC[T>C]GTAACTTCGCAGAAAAGAGTCGGATTACCAAAACACTGCCTGCTCTTCAGACTTAAAGCA-3'